The following is an entry in ClinVar:

NM_003011.4(SET):c.59C>T (p.Ala20Val)

Gene: SET (SET nuclear proto-oncogene; plus strand). Cytogenetic location: 9q34.11.
Variant type: single nucleotide variant.
Coding change: c.59C>T on transcript NM_003011.4 (MANE Select); coding-DNA position 59, C replaced by T.
Protein change: p.Ala20Val; replaces alanine 20 with valine.
Molecular consequence: missense variant. On other transcripts: intron variant (3).
Genome position (GRCh38, 1-based): chr9:128,689,641, C>T. VCF-style: chr9-128689641-C-T. GRCh37 (hg19) VCF-style: chr9-131451920-C-T.
Other names: c.113-1529C>T (NM_001374326.1, NM_001122821.2); c.47-1529C>T (NM_001248000.2); short protein forms A20V.
Identifiers: ClinVar variation 4851388 (VCV004851388.1).
Genomic context (GRCh38, chr9:128,689,641, plus strand): 5'-CCATGTCGGCGCCGGCGGCCAAAGTCAGTAAAAAGGAGCTCAACTCCAACCACGACGGGG[C>T]CGACGAGACCTCAGGTGAGAGCAGCGAGCCCGGGGGCCGGCCCGCGCCGCCATCTTCGCC-3'
Protein context (NP_003002.2, residues 10-30): KKELNSNHDG[Ala20Val]DETSEKEQQE

ClinVar aggregate classification (germline): Likely benign (1 of 4 stars; one submission).

Conditions:
Intellectual developmental disorder, autosomal dominant 58. Also called: MENTAL RETARDATION, AUTOSOMAL DOMINANT 58; Intellectual disability, autosomal dominant 58. Identifiers: MedGen C4748195, MONDO:0020847, OMIM 618106.

Submission:

Centre for Medical Genetics,  Mumbai
Classification: Likely benign for Intellectual developmental disorder, autosomal dominant 58. Last evaluated: 2026-04-18. Review status: criteria provided, single submitter. Criteria: ACMG Guidelines, 2015. Collection method: provider interpretation. Allele origin: germline. Inheritance: Autosomal dominant inheritance. Affected: no. Observed: 1 variant allele, 1 heterozygote.
Comment: The variant satisfies PM2 criteria - extremely low frequency in gnomAD population databases. The variant satisfies BP4 criteria - for a missense or a splice region variant, computational prediction tools unanimously support a benign effect on the gene. However, the variant satisfies BS2 criteria - present in heterozygous state in an individual that clinically does not have Intellectual developmental disorder, autosomal dominant 58.

Literature cited by the submitters: PubMed 29688601.